The following is an entry in ClinVar:

NM_000212.3(ITGB3):c.1558G>A (p.Val520Ile)

Gene: ITGB3 (integrin subunit beta 3; plus strand). Cytogenetic location: 17q21.32.
Variant type: single nucleotide variant.
Coding change: c.1558G>A on transcript NM_000212.3 (MANE Select); coding-DNA position 1558, G replaced by A.
Protein change: p.Val520Ile; replaces valine 520 with isoleucine.
Molecular consequence: missense variant.
Genome position (GRCh38, 1-based): chr17:47,292,436, G>A. VCF-style: chr17-47292436-G-A. GRCh37 (hg19) VCF-style: chr17-45369802-G-A.
Other names: c.1558G>A (NM_000212.2); short protein forms V520I.
Identifiers: ClinVar variation 323868 (VCV000323868.10), dbSNP rs750612657, ClinGen allele CA8623288.

ClinVar aggregate classification (germline): Uncertain significance. Review status: reviewed by expert panel (3 of 4 stars). 3 submissions from 3 submitters: Uncertain significance (1). 2 of the submissions do not count toward it. Last evaluated 2023-08-15.

Conditions:
Glanzmann thrombasthenia. Also called: PLATELET GLYCOPROTEIN IIb-IIIa DEFICIENCY; THROMBASTHENIA OF GLANZMANN AND NAEGELI; Thrombasthenia; Glanzmann's thrombasthenia. Identifiers: Orphanet 849, MedGen C0040015, MONDO:0100326.
ITGB3-related disorder. Also called: ITGB3-related condition.

Allele frequency attached by ClinVar (database versions not stated): gnomAD 0.00001; TOPMed 0.00002.
gnomAD v4.1: 51 of 1,609,572 alleles (0.0032%); highest among the groups gnomAD compares: African/African-American, 0.015%; no homozygotes.

Submissions (3):

ClinGen Platelet Disorders Variant Curation Expert Panel, ClinGen
Classification: Uncertain significance for Glanzmann thrombasthenia. Last evaluated: 2023-08-15. Review status: reviewed by expert panel. Criteria: ClinGen Platelet ACMG Specifications v2-1. Collection method: curation. Allele origin: germline. Inheritance: Autosomal recessive inheritance.
Comment: This missense variant, NM_000212.3(ITGB3):c.1558G>A (p.Val520Ile) has not been reported in the literature to our knowledge and has only been observed by Illumina in a predisposition screen in an ostensibly healthy population. It occurs at a low allele frequency with a MAF of 0.00004006 (1/24964) in the African population in gnomADv2.1.1 (PM2_supporting). In summary, this variant meets the criteria to be classified as variant of uncertain significance for autosomal recessive Glanzmann Thrombasthenia based on the ACMG/AMP criteria applied, as specified by the ClinGen PD VCEP: PM2_Supporting (PD VCEP specifications version 2.1).

PreventionGenetics, part of Exact Sciences
Classification: Uncertain significance for ITGB3-related condition. Last evaluated: 2026-06-26. Review status: criteria provided, single submitter. Criteria: ACMG Guidelines, 2015. Collection method: clinical testing. Allele origin: germline. Not counted in ClinVar's aggregate classification.
Comment: The ITGB3 c.1558G>A variant is predicted to result in the amino acid substitution p.Val520Ile. To our knowledge, this variant has not been reported in the literature. This variant is reported in 0.0040% of alleles in individuals of African descent in gnomAD. At this time, the clinical significance of this variant is uncertain due to the absence of conclusive functional and genetic evidence.

Illumina Laboratory Services, Illumina
Classification: Uncertain significance for Glanzmann thrombasthenia 1. Last evaluated: 2018-01-13. Review status: criteria provided, single submitter. Criteria: ICSL Variant Classification Criteria 13 December 2019. Collection method: clinical testing. Allele origin: germline. Not counted in ClinVar's aggregate classification.